The following is an entry in ClinVar:

ClinVar aggregate classification (germline): Likely benign (0 of 4 stars; one submission).

Conditions:
CC2D2A-related disorder. Also called: CC2D2A-related condition; CC2D2A-related disorders. Identifiers: MedGen CN239313.

gnomAD v4.1: 7 of 454,944 alleles (0.0015%); highest among the groups gnomAD compares: Non-Finnish European, 0.0026%; no homozygotes.

Submission:

PreventionGenetics, part of Exact Sciences
Classification: Likely benign for CC2D2A-related condition. Last evaluated: 2023-01-16. Review status: no assertion criteria provided. Collection method: clinical testing. Allele origin: germline.
Comment: This variant is classified as likely benign based on ACMG/AMP sequence variant interpretation guidelines (Richards et al. 2015 PMID: 25741868, with internal and published modifications).

NM_001378615.1(CC2D2A):c.247+410G>T

Genes: CC2D2A (coiled-coil and C2 domain containing 2A; plus strand), FBXL5 (F-box and leucine rich repeat protein 5; minus strand). Cytogenetic location: 4p15.32.
Variant type: single nucleotide variant.
Coding change: c.247+410G>T on transcript NM_001378615.1 (MANE Select); 410 bases into the intron after coding-DNA position 247, G replaced by T.
Molecular consequence: intron variant. On other transcripts: synonymous variant (1), 3 prime UTR variant (1).
Genome position (GRCh38, 1-based): chr4:15,481,237, G>T. VCF-style: chr4-15481237-G-T. GRCh37 (hg19) VCF-style: chr4-15482861-G-T.
Other names: c.288G>T, p.Thr96= (NM_001164720.3); c.*25G>T (NM_020785.2); c.247+410G>T (NM_001080522.2); c.100+410G>T (NM_001378617.1).
Identifiers: ClinVar variation 3035384 (VCV003035384.2), dbSNP rs561394098, ClinGen allele CA92517660.